The following is an entry in ClinVar:

ClinVar aggregate classification (germline): Uncertain significance. Review status: criteria provided, multiple submitters, no conflicts (2 of 4 stars). 2 submissions from 2 submitters: Uncertain significance (2). Last evaluated 2024-12-24.

Conditions:
Connective tissue disorder. Also called: Connective tissue disease. Identifiers: MedGen C0009782, MONDO:0003900.

gnomAD v4.1: 12 of 1,614,092 alleles (0.00074%); highest among the groups gnomAD compares: Non-Finnish European, 0.001%; no homozygotes.

Submissions (2):

Women's Health and Genetics/Laboratory Corporation of America, LabCorp
Classification: Uncertain significance. Last evaluated: 2024-12-24. Review status: criteria provided, single submitter. Criteria: LabCorp Variant Classification Summary - May 2015. Collection method: clinical testing. Allele origin: germline.
Comment: Variant summary: COL1A1 c.361G>T (p.Gly121Cys) results in a non-conservative amino acid change located in the Collagen triple helix repeat (IPR008160) of the encoded protein sequence. Five of five in-silico tools predict a damaging effect of the variant on protein function. The variant was absent in 250230 control chromosomes. The available data on variant occurrences in the general population are insufficient to allow any conclusion about variant significance. To our knowledge, no occurrence of c.361G>T in individuals affected with Osteogenesis imperfecta type I and no experimental evidence demonstrating its impact on protein function have been reported. ClinVar contains an entry for this variant (Variation ID: 547225). Based on the evidence outlined above, the variant was classified as uncertain significance.

Center for Human Genetics, Inc
Classification: Uncertain significance for Connective tissue disorder. Last evaluated: 2016-11-01. Review status: criteria provided, single submitter. Criteria: ACMG Guidelines, 2015. Collection method: clinical testing. Allele origin: germline. Affected: yes.

NM_000088.4(COL1A1):c.361G>T (p.Gly121Cys)

Gene: COL1A1 (collagen type I alpha 1 chain; minus strand). Cytogenetic location: 17q21.33.
Variant type: single nucleotide variant.
Coding change: c.361G>T on transcript NM_000088.4 (MANE Select); coding-DNA position 361, G replaced by T.
Protein change: p.Gly121Cys; replaces glycine 121 with cysteine.
Molecular consequence: missense variant.
Genome position (GRCh38, 1-based): chr17:50,199,426, C>A on the plus strand (G>T on the coding strand, the complement: COL1A1 is on the minus strand). VCF-style: chr17-50199426-C-A. GRCh37 (hg19) VCF-style: chr17-48276787-C-A.
Other names: short protein forms G121C.
Identifiers: ClinVar variation 547225 (VCV000547225.2), dbSNP rs904057644, ClinGen allele CA291550579.